The following is an entry in ClinVar:

ClinVar aggregate classification (germline): Uncertain significance (1 of 4 stars; one submission).

Conditions:
Left ventricular noncompaction 8 (LVNC8). Identifiers: Orphanet 154, Orphanet 54260, MedGen C3809288, MONDO:0014152, OMIM 615373.

Submission:

Labcorp Genetics (formerly Invitae), Labcorp
Classification: Uncertain significance for Left ventricular noncompaction 8. Last evaluated: 2022-08-30. Review status: criteria provided, single submitter. Criteria: Invitae Variant Classification Sherloc (09022015). Collection method: clinical testing. Allele origin: germline.
Comment: This variant has not been reported in the literature in individuals affected with PRDM16-related conditions. Algorithms developed to predict the effect of missense changes on protein structure and function are either unavailable or do not agree on the potential impact of this missense change (SIFT: "Deleterious"; PolyPhen-2: "Benign"; Align-GVGD: "Class C15"). In summary, the available evidence is currently insufficient to determine the role of this variant in disease. Therefore, it has been classified as a Variant of Uncertain Significance. This variant is not present in population databases (gnomAD no frequency). This sequence change replaces proline, which is neutral and non-polar, with histidine, which is basic and polar, at codon 840 of the PRDM16 protein (p.Pro840His).

NM_022114.4(PRDM16):c.2519C>A (p.Pro840His)

Gene: PRDM16 (PR/SET domain 16; plus strand). Cytogenetic location: 1p36.32.
Variant type: single nucleotide variant.
Coding change: c.2519C>A on transcript NM_022114.4 (MANE Select); coding-DNA position 2519, C replaced by A.
Protein change: p.Pro840His; replaces proline 840 with histidine.
Molecular consequence: missense variant.
Genome position (GRCh38, 1-based): chr1:3,412,716, C>A. VCF-style: chr1-3412716-C-A. GRCh37 (hg19) VCF-style: chr1-3329280-C-A.
Other names: c.2519C>A, p.Pro840His (NM_199454.3); short protein forms P840H.
Identifiers: ClinVar variation 1718357 (VCV001718357.5), dbSNP rs2523887911, ClinGen allele CA338000776.